The following is an entry in ClinVar:

ClinVar aggregate classification (germline): Pathogenic (1 of 4 stars; one submission).

Submission:

Labcorp Genetics (formerly Invitae), Labcorp
Classification: Pathogenic. Last evaluated: 2022-11-28. Review status: criteria provided, single submitter. Criteria: Invitae Variant Classification Sherloc (09022015). Collection method: clinical testing. Allele origin: germline.
Comment: This sequence change creates a premature translational stop signal (p.Glu536Serfs*22) in the TECTA gene. It is expected to result in an absent or disrupted protein product. Loss-of-function variants in TECTA are known to be pathogenic (PMID: 11087000, 12746400, 17431902, 24130743). This variant is not present in population databases (gnomAD no frequency). For these reasons, this variant has been classified as Pathogenic. This variant has not been reported in the literature in individuals affected with TECTA-related conditions.

Literature cited by the submitters: PubMed 11087000; PubMed 12746400; PubMed 17431902; PubMed 24130743.

NM_005422.4(TECTA):c.1606del (p.Glu536fs)

Genes: TBCEL-TECTA (TBCEL-TECTA readthrough; plus strand), TECTA (tectorin alpha; plus strand). Cytogenetic location: 11q23.3.
Variant type: Deletion.
Coding change: c.1606del on transcript NM_005422.4 (MANE Select); coding-DNA position 1606, one base deleted (G; older notation c.1606delG).
Protein change: p.Glu536fs; shifts the reading frame from glutamic acid 536.
Molecular consequence: frameshift variant.
Genome position (GRCh38, 1-based): chr11:121,125,704, G deleted; the last of 3 consecutive G bases (chr11:121,125,702-121,125,704); deleting any one gives the same sequence. VCF-style (leftmost placement, unchanged base first): chr11-121125701-TG-T. GRCh37 (hg19) VCF-style: chr11-120996410-TG-T.
Other names: c.2563del, p.Glu855fs (NM_001378761.1); short protein forms E536fs, E855fs.
Identifiers: ClinVar variation 2810164 (VCV002810164.3), dbSNP rs2496917677, ClinGen allele CA2575008326.
Genomic context (GRCh38, chr11:121,125,701, plus strand): 5'-GAAGCCCTCTACTTTGGCTCTGACTACTGCGGCTTCCTCAACAAGACAGACGGCCCTCTG[TG>T]GGAGTGTGGCACTGTCGTGGACCCCACTGCTTTTGTGCACAGCTGCGTGTATGACCTGTG-3'